The following is an entry in ClinVar:

ClinVar aggregate classification (germline): Likely benign. Review status: criteria provided, multiple submitters, no conflicts (2 of 4 stars). 4 submissions from 4 submitters: Likely benign (3). 1 of the submissions does not count toward it. Last evaluated 2023-01-01.

Conditions:
CUL9-related disorder. Also called: CUL9-related condition.

Allele frequency attached by ClinVar (database versions not stated): 1000 Genomes Project 0.00220; 1000 Genomes Project 30x 0.00297; ExAC 0.00639; gnomAD 0.00639 and 0.00640; gnomAD exomes 0.00652 and 0.00914; ESP Exome Variant Server 0.00661; TOPMed 0.00680.
gnomAD v4.1: 14,458 of 1,613,872 alleles (0.9%); highest among the groups gnomAD compares: Middle Eastern, 2%; 102 homozygotes.

Submissions (4):

CeGaT Center for Human Genetics Tuebingen
Classification: Likely benign. Last evaluated: 2023-01-01. Review status: criteria provided, single submitter. Criteria: CeGaT Center For Human Genetics Tuebingen Variant Classification Criteria Version 2. Collection method: clinical testing. Allele origin: germline. Affected: yes. Observed: 3 variant alleles.
Comment: CUL9: BP4, BS2

Labcorp Genetics (formerly Invitae), Labcorp
Classification: Likely benign. Last evaluated: 2018-03-29. Review status: criteria provided, single submitter. Criteria: Invitae Variant Classification Sherloc (09022015). Collection method: clinical testing. Allele origin: germline.

Breakthrough Genomics
Classification: Likely benign. Review status: criteria provided, single submitter. Criteria: ACMG Guidelines, 2015. Collection method: not provided. Allele origin: germline. Inheritance: Unknown mechanism. Affected: yes.

PreventionGenetics, part of Exact Sciences
Classification: Benign for CUL9-related condition. Last evaluated: 2019-02-20. Review status: no assertion criteria provided. Collection method: clinical testing. Allele origin: germline. Not counted in ClinVar's aggregate classification.
Comment: This variant is classified as benign based on ACMG/AMP sequence variant interpretation guidelines (Richards et al. 2015 PMID: 25741868, with internal and published modifications).

NM_015089.4(CUL9):c.1849G>A (p.Glu617Lys)

Gene: CUL9 (cullin 9; plus strand). Cytogenetic location: 6p21.1.
Variant type: single nucleotide variant.
Coding change: c.1849G>A on transcript NM_015089.4 (MANE Select); coding-DNA position 1849, G replaced by A.
Protein change: p.Glu617Lys; replaces glutamic acid 617 with lysine.
Molecular consequence: missense variant.
Genome position (GRCh38, 1-based): chr6:43,187,980, G>A. VCF-style: chr6-43187980-G-A. GRCh37 (hg19) VCF-style: chr6-43155718-G-A.
Other names: short protein forms E617K.
Identifiers: ClinVar variation 782947 (VCV000782947.29), dbSNP rs145911635, ClinGen allele CA3817394.